The following is an entry in ClinVar:

ClinVar aggregate classification (germline): Pathogenic. Review status: criteria provided, single submitter (1 of 4 stars). 2 submissions from 2 submitters: Pathogenic (1). 1 of the submissions does not count toward it. Last evaluated 2023-03-03.

Conditions:
Marfan syndrome (MFS). Also called: MARFAN SYNDROME, TYPE I; FBN1-Related Marfan Syndrome; Marfan syndrome type 1; Marfan's syndrome; Marfan syndrome, classic. Identifiers: Orphanet 284963, Orphanet 558, MedGen C0024796, MONDO:0007947, OMIM 154700.
Familial thoracic aortic aneurysm and aortic dissection (TAAD). Also called: Thoracic aortic aneurysms and dissections. Identifiers: Orphanet 91387, MedGen C4707243, MONDO:0019625.

Submissions (2):

Labcorp Genetics (formerly Invitae), Labcorp
Classification: Pathogenic for Marfan syndrome; Familial thoracic aortic aneurysm and aortic dissection. Last evaluated: 2023-03-03. Review status: criteria provided, single submitter. Criteria: Invitae Variant Classification Sherloc (09022015). Collection method: clinical testing. Allele origin: germline.
Comment: This sequence change replaces cysteine, which is neutral and slightly polar, with tyrosine, which is neutral and polar, at codon 1833 of the FBN1 protein (p.Cys1833Tyr). For these reasons, this variant has been classified as Pathogenic. This variant affects a cysteine residue in the EGF-like, TGFBP or hybrid motif domains of FBN1. Cysteine residues are believed to be involved in intramolecular disulfide bridges and have been shown to be important for FBN1 protein structure (PMID: 16905551, 19349279). In addition, missense substitutions affecting cysteine residues within these domains are significantly overrepresented among patients with Marfan syndrome (PMID: 16571647, 17701892). Advanced modeling of protein sequence and biophysical properties (such as structural, functional, and spatial information, amino acid conservation, physicochemical variation, residue mobility, and thermodynamic stability) performed at Invitae indicates that this missense variant is expected to disrupt FBN1 protein function. ClinVar contains an entry for this variant (Variation ID: 684597). This missense change has been observed in individual(s) with Marfan syndrome (PMID: 31730815). This variant is not present in population databases (gnomAD no frequency).

Sangiuolo Lab - Medical Genetics Laboratory, Tor Vergata University
Classification: Likely pathogenic for Marfan syndrome. Last evaluated: 2019-06-06. Review status: no assertion criteria provided. Collection method: clinical testing. Allele origin: germline. Affected: yes. Not counted in ClinVar's aggregate classification.

Literature cited by the submitters: PubMed 16905551 (cited by Labcorp Genetics (formerly Invitae), Labcorp); PubMed 19349279 (cited by Labcorp Genetics (formerly Invitae), Labcorp); PubMed 16571647 (cited by Labcorp Genetics (formerly Invitae), Labcorp); PubMed 17701892 (cited by Labcorp Genetics (formerly Invitae), Labcorp); PubMed 31730815 (cited by Labcorp Genetics (formerly Invitae), Labcorp and Sangiuolo Lab - Medical Genetics Laboratory, Tor Vergata University).

NM_000138.5(FBN1):c.5498G>A (p.Cys1833Tyr)

Gene: FBN1 (fibrillin 1; minus strand). Cytogenetic location: 15q21.1.
Variant type: single nucleotide variant.
Coding change: c.5498G>A on transcript NM_000138.5 (MANE Select); coding-DNA position 5498, G replaced by A.
Protein change: p.Cys1833Tyr; replaces cysteine 1833 with tyrosine.
Molecular consequence: missense variant.
Genome position (GRCh38, 1-based): chr15:48,452,609, C>T on the plus strand (G>A on the coding strand, the complement: FBN1 is on the minus strand). VCF-style: chr15-48452609-C-T. GRCh37 (hg19) VCF-style: chr15-48744806-C-T.
Other names: short protein forms C1833Y.
Identifiers: ClinVar variation 684597 (VCV000684597.4), dbSNP rs1597537815, ClinGen allele CA392344147.